The following is an entry in ClinVar:

NM_024301.5(FKRP):c.511_523del (p.Leu171fs)

Gene: FKRP (fukutin related protein; plus strand). Cytogenetic location: 19q13.32.
Variant type: Deletion.
Coding change: c.511_523del on transcript NM_024301.5 (MANE Select); coding-DNA positions 511 to 523, 13 bases deleted (CTGAACGTCAGCC).
Protein change: p.Leu171fs; shifts the reading frame from leucine 171.
Molecular consequence: frameshift variant.
Genome position (GRCh38, 1-based): chr19:46,755,961-46,755,973, CTGAACGTCAGCC deleted; deleting any 13 consecutive bases within chr19:46,755,958-46,755,973 gives the same sequence; the c. name uses the placement nearest the transcript's 3' end. VCF-style (leftmost placement, unchanged base first): chr19-46755957-GGCCCTGAACGTCA-G. GRCh37 (hg19) VCF-style: chr19-47259214-GGCCCTGAACGTCA-G.
Other names: c.511_523del, p.Leu171fs (NM_001039885.3); short protein forms L171fs.
Identifiers: ClinVar variation 1073047 (VCV001073047.8), dbSNP rs1314297056, ClinGen allele CA882849400.

ClinVar aggregate classification (germline): Pathogenic/Likely pathogenic. Review status: criteria provided, multiple submitters, no conflicts (2 of 4 stars). 2 submissions from 2 submitters: Pathogenic (1); Likely pathogenic (1). Last evaluated 2023-12-01.

Conditions:
Muscular dystrophy-dystroglycanopathy (congenital with brain and eye anomalies), type A5. Also called: WALKER-WARBURG SYNDROME OR MUSCLE-EYE-BRAIN DISEASE, FKRP-RELATED; MUSCULAR DYSTROPHY-DYSTROGLYCANOPATHY (CONGENITAL WITH BRAIN AND EYE ANOMALIES), TYPE A, 5. Identifiers: Orphanet 588, Orphanet 899, MedGen C3150413, MONDO:0013157, OMIM 613153.
Walker-Warburg congenital muscular dystrophy. Also called: Muscular dystrophy-dystroglycanopathy, type A; Walker-Warburg syndrome. Identifiers: Orphanet 899, MedGen C0265221, MONDO:0000171.

Submissions (2):

Labcorp Genetics (formerly Invitae), Labcorp
Classification: Pathogenic for Walker-Warburg congenital muscular dystrophy. Last evaluated: 2023-12-01. Review status: criteria provided, single submitter. Criteria: Invitae Variant Classification Sherloc (09022015). Collection method: clinical testing. Allele origin: germline.
Comment: This sequence change creates a premature translational stop signal (p.Leu171Cysfs*64) in the FKRP gene. While this is not anticipated to result in nonsense mediated decay, it is expected to disrupt the last 325 amino acid(s) of the FKRP protein. This variant is not present in population databases (gnomAD no frequency). This variant has not been reported in the literature in individuals affected with FKRP-related conditions. ClinVar contains an entry for this variant (Variation ID: 1073047). This variant disrupts a region of the FKRP protein in which other variant(s) (p.Ser385*) have been determined to be pathogenic (PMID: 11592034, 12666124, 12707425, 14742276). This suggests that this is a clinically significant region of the protein, and that variants that disrupt it are likely to be disease-causing. For these reasons, this variant has been classified as Pathogenic.

Baylor Genetics
Classification: Likely pathogenic for Muscular dystrophy-dystroglycanopathy (congenital with brain and eye anomalies), type A5. Last evaluated: 2023-06-27. Review status: criteria provided, single submitter. Criteria: ACMG Guidelines, 2015. Collection method: clinical testing. Allele origin: unknown.

Literature cited by the submitters: PubMed 11592034 (cited by Labcorp Genetics (formerly Invitae), Labcorp); PubMed 12666124 (cited by Labcorp Genetics (formerly Invitae), Labcorp); PubMed 12707425 (cited by Labcorp Genetics (formerly Invitae), Labcorp); PubMed 14742276 (cited by Labcorp Genetics (formerly Invitae), Labcorp).